The following is an entry in ClinVar:

NM_000023.4(SGCA):c.226C>T (p.Leu76Phe)

Gene: SGCA (sarcoglycan alpha; plus strand). Cytogenetic location: 17q21.33.
Variant type: single nucleotide variant.
Coding change: c.226C>T on transcript NM_000023.4 (MANE Select); coding-DNA position 226, C replaced by T.
Protein change: p.Leu76Phe; replaces leucine 76 with phenylalanine.
Molecular consequence: missense variant. On other transcripts: non-coding transcript variant (1).
Genome position (GRCh38, 1-based): chr17:50,167,650, C>T. VCF-style: chr17-50167650-C-T. GRCh37 (hg19) VCF-style: chr17-48245011-C-T.
Other names: c.226C>T, p.Leu76Phe (NM_001135697.3); short protein forms L76F.
Identifiers: ClinVar variation 432007 (VCV000432007.9), dbSNP rs1555568335, ClinGen allele CA400177503.
Genomic context (GRCh38, chr17:50,167,650, plus strand): 5'-CCCGCTGTCCACATCACCTACCACGCCCACCTCCAGGGACACCCAGACCTGCCCCGGTGG[C>T]TCCGCTACACCCAGCGCAGCCCCCACCACCCTGGCTTCCTCTACGGCTCTGCCACCCCAG-3'
Protein context (NP_000014.1, residues 66-86): LQGHPDLPRW[Leu76Phe]RYTQRSPHHP

ClinVar aggregate classification (germline): Pathogenic/Likely pathogenic. Review status: criteria provided, multiple submitters, no conflicts (2 of 4 stars). 4 submissions from 4 submitters: Pathogenic (2); Likely pathogenic (2). Last evaluated 2023-07-08.

Conditions:
Autosomal recessive limb-girdle muscular dystrophy type 2D (LGMDR3). Also called: ADHALINOPATHY, PRIMARY; DUCHENNE-LIKE AUTOSOMAL RECESSIVE MUSCULAR DYSTROPHY, TYPE 2; MUSCULAR DYSTROPHY, LIMB-GIRDLE, AUTOSOMAL RECESSIVE 3. Identifiers: Orphanet 62, MedGen C2936332, MONDO:0011968, OMIM 608099. Disease mechanism: Affects gamma-sarcoglycan and also disrupts the integrity of the entire sarcoglycan complex..

Submissions (4):

Labcorp Genetics (formerly Invitae), Labcorp
Classification: Pathogenic for Autosomal recessive limb-girdle muscular dystrophy type 2D. Last evaluated: 2023-07-08. Review status: criteria provided, single submitter. Criteria: Invitae Variant Classification Sherloc (09022015). Collection method: clinical testing. Allele origin: germline.
Comment: For these reasons, this variant has been classified as Pathogenic. Advanced modeling of protein sequence and biophysical properties (such as structural, functional, and spatial information, amino acid conservation, physicochemical variation, residue mobility, and thermodynamic stability) performed at Invitae indicates that this missense variant is expected to disrupt SGCA protein function. ClinVar contains an entry for this variant (Variation ID: 432007). This missense change has been observed in individual(s) with limb-girdle muscular dystrophy (PMID: 24742800, 30345904). It has also been observed to segregate with disease in related individuals. This variant is not present in population databases (gnomAD no frequency). This sequence change replaces leucine, which is neutral and non-polar, with phenylalanine, which is neutral and non-polar, at codon 76 of the SGCA protein (p.Leu76Phe).

Genome-Nilou Lab
Classification: Likely pathogenic for Autosomal recessive limb-girdle muscular dystrophy type 2D. Last evaluated: 2023-02-08. Review status: criteria provided, single submitter. Criteria: ACMG Guidelines, 2015. Collection method: clinical testing. Allele origin: germline.

GeneDx
Classification: Likely pathogenic. Last evaluated: 2021-01-28. Review status: criteria provided, single submitter. Criteria: GeneDx Variant Classification Process June 2021. Collection method: clinical testing. Allele origin: germline. Affected: yes.
Comment: Not observed in large population cohorts (Lek et al., 2016); In silico analysis supports that this missense variant has a deleterious effect on protein structure/function; This variant is associated with the following publications: (PMID: 24742800, 27857043, 30345904, 30838351)

Pathology and Clinical Laboratory Medicine, King Fahad Medical City
Classification: Pathogenic for Autosomal recessive limb-girdle muscular dystrophy type 2D. Review status: criteria provided, single submitter. Criteria: ACMG Guidelines, 2015. Collection method: clinical testing. Allele origin: germline. Affected: yes. Observed: 2 variant alleles.

Literature cited by the submitters: PubMed 24742800 (cited by Labcorp Genetics (formerly Invitae), Labcorp); PubMed 30345904 (cited by Labcorp Genetics (formerly Invitae), Labcorp).